The following is an entry in ClinVar:

ClinVar aggregate classification (germline): Conflicting classifications of pathogenicity. Review status: criteria provided, conflicting classifications (1 of 4 stars). 4 submissions from 4 submitters: Uncertain significance (2); Benign (1); Likely benign (1). Last evaluated 2025-10-14.

Conditions:
Catecholaminergic polymorphic ventricular tachycardia (CVPT). Also called: Catecholamine-induced polymorphic ventricular tachycardia. Identifiers: Orphanet 3286, MedGen C5574922, MONDO:0017990.
Cardiovascular phenotype. Identifiers: MedGen CN230736.
Cardiomyopathy (CMYO). Also called: Cardiomyopathies. Identifiers: Orphanet 167848, MedGen C0878544, MONDO:0004994, HP:0001638. Inheritance: Various modes of inheritance.

gnomAD v4.1: 8 of 1,610,042 alleles (0.0005%); highest among the groups gnomAD compares: Non-Finnish European, 0.00068%; no homozygotes.

Submissions (4):

Color Diagnostics, LLC DBA Color Health
Classification: Likely benign for Cardiomyopathy. Last evaluated: 2025-10-14. Review status: criteria provided, single submitter. Criteria: ACMG Guidelines, 2015. Collection method: clinical testing. Allele origin: germline.

All of Us Research Program, National Institutes of Health
Classification: Uncertain significance for Catecholaminergic polymorphic ventricular tachycardia. Last evaluated: 2023-08-15. Review status: criteria provided, single submitter. Criteria: ACMG Guidelines, 2015. Collection method: clinical testing. Allele origin: germline. Inheritance: Autosomal dominant inheritance. Observed: 3 variant alleles, 3 heterozygotes.
Comment: This missense variant replaces glycine with tryptophan at codon 1885 of the RYR2 protein. Computational prediction tools and conservation analyses are inconclusive regarding the impact of this variant on the protein function. Computational splicing tools suggest that this variant may not impact RNA splicing. To our knowledge, functional assays have not been performed for this variant nor has this variant been reported in individuals affected with cardiovascular disorders in the literature. This variant has not been identified in the general population by the Genome Aggregation Database (gnomAD). Available evidence is insufficient to determine the role of this variant in disease conclusively. Therefore, this variant is classified as a Variant of Uncertain Significance.

This study involves interpretation of variants in research participants for the purpose of population health screening. Participant phenotype was not available at the time of variant classification. Additional details can be found in publication PMID: 35346344, PMCID: PMC8962531

Ambry Genetics
Classification: Uncertain significance for Cardiovascular phenotype. Last evaluated: 2021-08-20. Review status: criteria provided, single submitter. Criteria: Ambry Variant Classification Scheme 2023. Collection method: clinical testing. Allele origin: germline.
Comment: The p.G1885W variant (also known as c.5653G>T), located in coding exon 37 of the RYR2 gene, results from a G to T substitution at nucleotide position 5653. The glycine at codon 1885 is replaced by tryptophan, an amino acid with highly dissimilar properties. This alteration has been reported as a secondary cardiac variant in an exome cohort; however, clinical details are limited (Ng D et al. Circ Cardiovasc Genet, 2013 Aug;6:337-46). This amino acid position is not well conserved in available vertebrate species. In addition, this alteration is predicted to be tolerated by in silico analysis. Since supporting evidence is limited at this time, the clinical significance of this alteration remains unclear.

Biesecker Lab/Clinical Genomics Section, National Institutes of Health
Classification: Benign. Last evaluated: 2013-06-24. Review status: criteria provided, single submitter. Criteria: Ng et al. (Circ Cardiovasc Genet. 2013). Collection method: research. Allele origin: unknown. Observed: 1 variant allele. Study: ClinSeq.
Comment: The study set was not selected for affection status in relation to any cancer. Pathogenicity categories were based on literature curation. See Pubmed ID:23861362 for details.

Medical sequencing

Literature cited by the submitters: PubMed 23861362 (cited by Ambry Genetics).

NM_001035.3(RYR2):c.5653G>T (p.Gly1885Trp)

Gene: RYR2 (ryanodine receptor 2; plus strand). Cytogenetic location: 1q43.
Variant type: single nucleotide variant.
Coding change: c.5653G>T on transcript NM_001035.3 (MANE Select); coding-DNA position 5653, G replaced by T.
Protein change: p.Gly1885Trp; replaces glycine 1885 with tryptophan.
Molecular consequence: missense variant.
Genome position (GRCh38, 1-based): chr1:237,614,781, G>T. VCF-style: chr1-237614781-G-T. GRCh37 (hg19) VCF-style: chr1-237778081-G-T.
Other names: c.5653G>T, p.Gly1885Trp (LRG_402t1); short protein forms G1885W.
Identifiers: ClinVar variation 191575 (VCV000191575.10), dbSNP rs200197527, ClinGen allele CA009932.